The following is an entry in ClinVar:

NM_001267550.2(TTN):c.93919G>T (p.Gly31307Ter)

Genes: TTN-AS1 (TTN antisense RNA 1; plus strand), TTN (titin; minus strand). Cytogenetic location: 2q31.2.
Variant type: single nucleotide variant.
Coding change: c.93919G>T on transcript NM_001267550.2 (MANE Select); coding-DNA position 93919, G replaced by T.
Protein change: p.Gly31307Ter; replaces glycine 31307 with a stop codon.
Molecular consequence: nonsense.
Genome position (GRCh38, 1-based): chr2:178,547,707, C>A on the plus strand (G>T on the coding strand, the complement: TTN is on the minus strand). VCF-style: chr2-178547707-C-A. GRCh37 (hg19) VCF-style: chr2-179412434-C-A.
Other names: c.88996G>T, p.Gly29666Ter (NM_001256850.1); c.66724G>T, p.Gly22242Ter (NM_003319.4); c.86215G>T, p.Gly28739Ter (NM_133378.4); c.67099G>T, p.Gly22367Ter (NM_133432.3); c.67300G>T, p.Gly22434Ter (NM_133437.4); short protein forms G22242*, G22367*, G22434*, G28739*, G29666*, G31307*.
Identifiers: ClinVar variation 3755523 (VCV003755523.2).

ClinVar aggregate classification (germline): Likely pathogenic (1 of 4 stars; one submission).

Conditions:
Dilated cardiomyopathy 1G (CMD1G). Identifiers: Orphanet 154, MedGen C1858763, MONDO:0011400, OMIM 604145.
Autosomal recessive limb-girdle muscular dystrophy type 2J (LGMDR10). Also called: Limb-girdle muscular dystrophy, type 2J; MUSCULAR DYSTROPHY, LIMB-GIRDLE, AUTOSOMAL RECESSIVE 10. Identifiers: Orphanet 140922, MedGen C1837342, MONDO:0012127, OMIM 608807.

Submission:

Labcorp Genetics (formerly Invitae), Labcorp
Classification: Likely pathogenic for Dilated cardiomyopathy 1G; Autosomal recessive limb-girdle muscular dystrophy type 2J. Last evaluated: 2024-03-26. Review status: criteria provided, single submitter. Criteria: Invitae Variant Classification Sherloc (09022015). Collection method: clinical testing. Allele origin: germline.
Comment: This sequence change creates a premature translational stop signal (p.Gly31307*) in the TTN gene. While this is not anticipated to result in nonsense mediated decay, it is expected to create a truncated TTN protein. This variant is not present in population databases (gnomAD no frequency). This variant has not been reported in the literature in individuals affected with TTN-related conditions. This variant is located in the A band of TTN (PMID: 25589632). Truncating variants in this region are significantly overrepresented in patients affected with dilated cardiomyopathy (PMID: 25589632). Truncating variants in this region have also been reported in individuals affected with autosomal recessive centronuclear myopathy (PMID: 23975875). In summary, the currently available evidence indicates that the variant is pathogenic, but additional data are needed to prove that conclusively. Therefore, this variant has been classified as Likely Pathogenic.

Literature cited by the submitters: PubMed 25589632; PubMed 23975875.